The following is an entry in ClinVar:

NM_018075.5(ANO10):c.699_701del (p.Tyr233_Leu234delinsTer)

Gene: ANO10 (anoctamin 10; minus strand). Cytogenetic location: 3p22.1.
Variant type: Deletion.
Coding change: c.699_701del on transcript NM_018075.5 (MANE Select); coding-DNA positions 699 to 701, 3 bases deleted (CTT; older notation c.699_701delCTT).
Protein change: p.Tyr233_Leu234delinsTer.
Molecular consequence: nonsense. On other transcripts: intron variant (1).
Genome position (GRCh38, 1-based): chr3:43,577,153-43,577,155, AAG deleted on the plus strand (CTT on the coding strand, the reverse complement: ANO10 is on the minus strand). VCF-style (leftmost placement, unchanged base first): chr3-43577152-CAAG-C. GRCh37 (hg19) VCF-style: chr3-43618644-CAAG-C.
Other names: c.699_701del, p.Tyr233_Leu234delinsTer (NM_001204831.3, NM_001346463.2, NM_001346464.2 and 3 more transcripts); c.501_503del, p.Tyr167_Leu168delinsTer (NM_001204832.3, NM_001346466.2, NM_001346469.2); c.366_368del, p.Tyr122_Leu123delinsTer (NM_001204833.3); c.593-2291_593-2289del (NM_001204834.3).
Identifiers: ClinVar variation 5004395 (VCV005004395.1).

ClinVar aggregate classification (germline): Pathogenic (1 of 4 stars; one submission).

Conditions:
Autosomal recessive spinocerebellar ataxia 10. Identifiers: Orphanet 284289, MedGen C3150998, MONDO:0013392, OMIM 613728.

Submission:

Myriad Genetics, Inc.
Classification: Pathogenic for Autosomal recessive spinocerebellar ataxia 10. Last evaluated: 2026-01-16. Review status: criteria provided, single submitter. Criteria: Myriad Autosomal Dominant, Autosomal Recessive and X-Linked Classification Criteria (2023). Collection method: clinical testing. Allele origin: unknown.
Comment: NM_018075.3(ANO10):c.699_701delCTT(Y233*) is a nonsense variant classified as pathogenic in the context of spinocerebellar ataxia, ANO10-related. Y233* has not been observed in cases with relevant disease. Relevant functional assessments of this variant are not available in the literature. Y233* has not been observed in referenced population frequency databases. In summary, NM_018075.3(ANO10):c.699_701delCTT(Y233*) is a nonsense variant in a gene where loss of function is a known mechanism of disease and is predicted to disrupt protein function. Please note: this variant was assessed in the context of healthy population screening.